The following is an entry in ClinVar:

NM_014159.7(SETD2):c.3103C>G (p.His1035Asp)

Gene: SETD2 (SET domain containing 2, histone lysine methyltransferase; minus strand). Cytogenetic location: 3p21.31.
Variant type: single nucleotide variant.
Coding change: c.3103C>G on transcript NM_014159.7 (MANE Select); coding-DNA position 3103, C replaced by G.
Protein change: p.His1035Asp; replaces histidine 1035 with aspartic acid.
Molecular consequence: missense variant. On other transcripts: non-coding transcript variant (1).
Genome position (GRCh38, 1-based): chr3:47,121,533, G>C on the plus strand (C>G on the coding strand, the complement: SETD2 is on the minus strand). VCF-style: chr3-47121533-G-C. GRCh37 (hg19) VCF-style: chr3-47163023-G-C.
Other names: c.2971C>G, p.His991Asp (NM_001349370.3); short protein forms H1035D, H991D.
Identifiers: ClinVar variation 3370802 (VCV003370802.2).
Genomic context (GRCh38, chr3:47,121,533, plus strand): 5'-CTGTATCTTCTGAATCACTTTCATCATTTGAACTTTCAGAAGAGCCAGAATAATCTTCAT[G>C]AACTGTAGACACAATTTCTGGGGCATGACCACTACTGTCACACTTTAATGCATAAGTTAC-3'
Protein context (NP_054878.5, residues 1025-1045): GHAPEIVSTV[His1035Asp]EDYSGSSESS

ClinVar aggregate classification (germline): Uncertain significance. Review status: criteria provided, multiple submitters, no conflicts (2 of 4 stars). 2 submissions from 2 submitters: Uncertain significance (2). Last evaluated 2026-03-25.

Conditions:
Inborn genetic diseases. Identifiers: MedGen C0950123, MeSH D030342.

Submissions (2):

Ambry Genetics
Classification: Uncertain significance for Inborn genetic diseases. Last evaluated: 2026-03-25. Review status: criteria provided, single submitter. Criteria: Ambry Variant Classification Scheme 2023. Collection method: clinical testing. Allele origin: germline.

GeneDx
Classification: Uncertain significance. Last evaluated: 2024-03-12. Review status: criteria provided, single submitter. Criteria: GeneDx Variant Classification Process June 2021. Collection method: clinical testing. Allele origin: germline. Affected: yes.
Comment: Not observed at significant frequency in large population cohorts (gnomAD); In silico analysis supports that this missense variant has a deleterious effect on protein structure/function; Has not been previously published as pathogenic or benign to our knowledge